The following is an entry in ClinVar:

NM_001267550.2(TTN):c.42695del (p.Tyr14232fs)

Gene: TTN (titin; minus strand). Cytogenetic location: 2q31.2.
Variant type: Deletion.
Coding change: c.42695del on transcript NM_001267550.2 (MANE Select); coding-DNA position 42695, one base deleted (A; older notation c.42695delA).
Protein change: p.Tyr14232fs; shifts the reading frame from tyrosine 14232.
Molecular consequence: frameshift variant.
Genome position (GRCh38, 1-based): chr2:178,633,664, T deleted on the plus strand (A on the coding strand, the reverse complement: TTN is on the minus strand). VCF-style (leftmost placement, unchanged base first): chr2-178633663-GT-G. GRCh37 (hg19) VCF-style: chr2-179498390-GT-G.
Other names: c.37772del, p.Tyr12591fs (NM_001256850.1); c.15500del, p.Tyr5167fs (NM_003319.4); c.34991del, p.Tyr11664fs (NM_133378.4); c.15875del, p.Tyr5292fs (NM_133432.3); c.16076del, p.Tyr5359fs (NM_133437.4); short protein forms Y5359fs, Y11664fs, Y5292fs, Y14232fs, Y12591fs, Y5167fs.
Identifiers: ClinVar variation 2025113 (VCV002025113.4), dbSNP rs2471516120, ClinGen allele CA2580065150.

ClinVar aggregate classification (germline): Likely pathogenic (1 of 4 stars; one submission).

Conditions:
Dilated cardiomyopathy 1G (CMD1G). Identifiers: Orphanet 154, MedGen C1858763, MONDO:0011400, OMIM 604145.
Autosomal recessive limb-girdle muscular dystrophy type 2J (LGMDR10). Also called: Limb-girdle muscular dystrophy, type 2J; MUSCULAR DYSTROPHY, LIMB-GIRDLE, AUTOSOMAL RECESSIVE 10. Identifiers: Orphanet 140922, MedGen C1837342, MONDO:0012127, OMIM 608807.

Submission:

Labcorp Genetics (formerly Invitae), Labcorp
Classification: Likely pathogenic for Dilated cardiomyopathy 1G; Autosomal recessive limb-girdle muscular dystrophy type 2J. Last evaluated: 2024-10-18. Review status: criteria provided, single submitter. Criteria: Invitae Variant Classification Sherloc (09022015). Collection method: clinical testing. Allele origin: germline.
Comment: This sequence change creates a premature translational stop signal (p.Tyr14232Serfs*4) in the TTN gene. While this is not anticipated to result in nonsense mediated decay, it is expected to create a truncated TTN protein. This variant is not present in population databases (gnomAD no frequency). This variant has not been observed in the literature in individuals with autosomal recessive TTN-related conditions. This variant has been reported in individual(s) with dilated cardiomyopathy (internal data); however, the role of the variant in this condition is currently unclear. ClinVar contains an entry for this variant (Variation ID: 2025113). This variant is located in the I band of TTN (PMID: 25589632). Truncating variants in this region have been reported in individuals affected with autosomal recessive centronuclear myopathy (PMID: 23975875, internal data). Truncating variants in this region have also been identified in individuals affected with autosomal dominant dilated cardiomyopathy and/or cardio-related conditions (PMID: 27869827, 32964742, internal data). In summary, the currently available evidence indicates that the variant is pathogenic, but additional data are needed to prove that conclusively. Therefore, this variant has been classified as Likely Pathogenic.

Literature cited by the submitters: PubMed 25589632; PubMed 23975875; PubMed 27869827; PubMed 32964742.